The following is an entry in ClinVar:

ClinVar aggregate classification (germline): Uncertain significance. Review status: criteria provided, multiple submitters, no conflicts (2 of 4 stars). 2 submissions from 2 submitters: Uncertain significance (2). Last evaluated 2025-10-28.

Conditions:
Hereditary cancer-predisposing syndrome. Also called: Neoplastic Syndromes, Hereditary; Hereditary neoplastic syndrome; Tumor predisposition; Hereditary Cancer Syndrome. Identifiers: Orphanet 140162, MedGen C0027672, MeSH D009386, MONDO:0015356.
Cardiovascular phenotype. Identifiers: MedGen CN230736.
Neurofibromatosis, type 1 (NF1). Also called: Peripheral type neurofibromatosis; VON RECKLINGHAUSEN DISEASE; Neurofibromatosis, type I; NEUROFIBROMATOSIS, TYPE I, SOMATIC. Identifiers: Orphanet 636, MedGen C0027831, MONDO:0018975, OMIM 162200. Disease mechanism: loss of function.

Submissions (2):

Ambry Genetics
Classification: Uncertain significance for Cardiovascular phenotype; Hereditary cancer-predisposing syndrome. Last evaluated: 2025-10-28. Review status: criteria provided, single submitter. Criteria: Ambry Variant Classification Scheme 2023. Collection method: clinical testing. Allele origin: germline.
Comment: The c.7760_7762delAAG variant (also known as p.E2587del) is located in coding exon 52 of the NF1 gene. This variant results from an in-frame AAG deletion at nucleotide positions 7760 to 7762. This results in the in-frame deletion of a glutamic acid at codon 2587. This amino acid position is highly conserved in available vertebrate species. In addition, this variant is predicted to be deleterious by in silico analysis (Choi Y et al. PLoS ONE. 2012; 7(10):e46688). Based on the available evidence, the clinical significance of this variant remains unclear.

Labcorp Genetics (formerly Invitae), Labcorp
Classification: Uncertain significance for Neurofibromatosis, type 1. Last evaluated: 2024-03-07. Review status: criteria provided, single submitter. Criteria: Invitae Variant Classification Sherloc (09022015). Collection method: clinical testing. Allele origin: germline.
Comment: This variant, c.7760_7762del, results in the deletion of 1 amino acid(s) of the NF1 protein (p.Glu2587del), but otherwise preserves the integrity of the reading frame. This variant is not present in population databases (gnomAD no frequency). This variant has not been reported in the literature in individuals affected with NF1-related conditions. ClinVar contains an entry for this variant (Variation ID: 846198). Experimental studies and prediction algorithms are not available or were not evaluated, and the functional significance of this variant is currently unknown. In summary, the available evidence is currently insufficient to determine the role of this variant in disease. Therefore, it has been classified as a Variant of Uncertain Significance.

NM_001042492.3(NF1):c.7820AAG[1] (p.Glu2608del)

Gene: NF1 (neurofibromin 1; plus strand). Cytogenetic location: 17q11.2.
Variant type: Microsatellite.
Coding change: c.7820AAG[1] on transcript NM_001042492.3 (MANE Select); one copy of the 3-base unit AAG starting at c.7820; the reference has two copies in a row; one copy, 3 bases deleted.
Protein change: p.Glu2608del; deletes glutamic acid 2608.
Molecular consequence: inframe deletion. On other transcripts: inframe indel (1).
Genome position (GRCh38, 1-based): chr17:31,357,044-31,357,046, AAG deleted; deleting any 3 consecutive bases within chr17:31,357,040-31,357,046 gives the same sequence; the position shown is the placement nearest the transcript's 3' end. VCF-style (leftmost placement, unchanged base first): chr17-31357039-TGAA-T. GRCh37 (hg19) VCF-style: chr17-29684057-TGAA-T.
Other names: c.7760_7762del (NM_000267.3); c.7760_7762delAAG (NM_000267.3); c.7757_7759AAG[1], p.Glu2587del (NM_000267.4); short protein forms E2587del, E2608del.
Identifiers: ClinVar variation 846198 (VCV000846198.6), dbSNP rs2070288954, ClinGen allele CA916080680.
Genomic context (GRCh38, chr17:31,357,039, plus strand): 5'-ATCACAACAGCACCCACATTTACGTAAAGTTTCAGTGTCTGAATCAAATGTTCTCTTGGA[TGAA>T]GAAGTACTTACTGATCCGAAGATCCAGGCGCTGCTTCTTACTGTTCTAGTAAGGATTTCC-3'